The following is an entry in ClinVar:

ClinVar aggregate classification (germline): Uncertain significance (1 of 4 stars; one submission).

Conditions:
Hereditary cancer-predisposing syndrome. Also called: Neoplastic Syndromes, Hereditary; Tumor predisposition; Hereditary neoplastic syndrome; Hereditary Cancer Syndrome. Identifiers: Orphanet 140162, MedGen C0027672, MeSH D009386, MONDO:0015356.

Submission:

Ambry Genetics
Classification: Uncertain significance for Hereditary cancer-predisposing syndrome. Last evaluated: 2026-08-26. Review status: criteria provided, single submitter. Criteria: Ambry Variant Classification Scheme 2023. Collection method: clinical testing. Allele origin: germline.
Comment: The p.S172C variant (also known as c.515C>G), located in coding exon 7 of the CDC73 gene, results from a C to G substitution at nucleotide position 515. The serine at codon 172 is replaced by cysteine, an amino acid with dissimilar properties. This amino acid position is conserved. In addition, the in silico prediction for this alteration is inconclusive. Based on the available evidence, the clinical significance of this variant remains unclear.

NM_024529.5(CDC73):c.515C>G (p.Ser172Cys)

Gene: CDC73 (cell division cycle 73; plus strand). Cytogenetic location: 1q31.2.
Variant type: single nucleotide variant.
Coding change: c.515C>G on transcript NM_024529.5 (MANE Select); coding-DNA position 515, C replaced by G.
Protein change: p.Ser172Cys; replaces serine 172 with cysteine.
Molecular consequence: missense variant.
Genome position (GRCh38, 1-based): chr1:193,141,852, C>G. VCF-style: chr1-193141852-C-G. GRCh37 (hg19) VCF-style: chr1-193110982-C-G.
Other names: short protein forms S172C.
Identifiers: ClinVar variation 5033850 (VCV005033850.1).